The following is an entry in ClinVar:

NM_182961.4(SYNE1):c.7768G>A (p.Gly2590Ser)

Gene: SYNE1 (spectrin repeat containing nuclear envelope protein 1; minus strand). Cytogenetic location: 6q25.2.
Variant type: single nucleotide variant.
Coding change: c.7768G>A on transcript NM_182961.4 (MANE Select); coding-DNA position 7768, G replaced by A.
Protein change: p.Gly2590Ser; replaces glycine 2590 with serine.
Molecular consequence: missense variant.
Genome position (GRCh38, 1-based): chr6:152,391,513, C>T on the plus strand (G>A on the coding strand, the complement: SYNE1 is on the minus strand). VCF-style: chr6-152391513-C-T. GRCh37 (hg19) VCF-style: chr6-152712648-C-T.
Other names: c.7789G>A (NM_033071.3); c.7789G>A, p.Gly2597Ser (NM_033071.5); c.7768G>A (NM_182961.2); short protein forms G2590S, G2597S.
Identifiers: ClinVar variation 1042493 (VCV001042493.10), dbSNP rs367840064, ClinGen allele CA4057688.

ClinVar aggregate classification (germline): Uncertain significance. Review status: criteria provided, multiple submitters, no conflicts (2 of 4 stars). 3 submissions from 3 submitters: Uncertain significance (3). Last evaluated 2025-12-03.

Conditions:
Emery-Dreifuss muscular dystrophy 4, autosomal dominant (EDMD4). Also called: EMERY-DREIFUSS MUSCULAR DYSTROPHY 4 WITH VARIABLE FEATURES. Identifiers: Orphanet 261, MedGen C2751807, MONDO:0013071, OMIM 612998.
Autosomal recessive ataxia, Beauce type. Also called: Spinocerebellar ataxia, autosomal recessive 8; ATAXIA, RECESSIVE, OF BEAUCE; SYNE1 Deficiency; SYNE1-Related Autosomal Recessive Cerebellar Ataxia. Identifiers: Orphanet 88644, MedGen C1853116, MONDO:0012549, OMIM 610743.

Allele frequency attached by ClinVar (database versions not stated): gnomAD exomes 0.00001; ExAC 0.00002; gnomAD 0.00002 and 0.00003; TOPMed 0.00002; ESP Exome Variant Server 0.00008.
gnomAD v4.1: 47 of 1,604,560 alleles (0.0029%); highest among the groups gnomAD compares: African/African-American, 0.0041%; no homozygotes.

Submissions (3):

Labcorp Genetics (formerly Invitae), Labcorp
Classification: Uncertain significance for Emery-Dreifuss muscular dystrophy 4, autosomal dominant; Autosomal recessive ataxia, Beauce type. Last evaluated: 2025-12-03. Review status: criteria provided, single submitter. Criteria: Invitae Variant Classification Sherloc (09022015). Collection method: clinical testing. Allele origin: germline.
Comment: This sequence change replaces glycine, which is neutral and non-polar, with serine, which is neutral and polar, at codon 2597 of the SYNE1 protein (p.Gly2597Ser). This variant is present in population databases (rs367840064, gnomAD 0.007%). This variant has not been reported in the literature in individuals affected with SYNE1-related conditions. ClinVar contains an entry for this variant (Variation ID: 1042493). An algorithm developed to predict the effect of missense changes on protein structure and function outputs the following: PolyPhen-2: "Benign". The serine amino acid residue is found in multiple mammalian species, which suggests that this missense change does not adversely affect protein function. In summary, the available evidence is currently insufficient to determine the role of this variant in disease. Therefore, it has been classified as a Variant of Uncertain Significance.

Athena Diagnostics
Classification: Uncertain significance. Last evaluated: 2024-12-16. Review status: criteria provided, single submitter. Criteria: Athena Diagnostics Criteria. Collection method: clinical testing. Allele origin: unknown.
Comment: Available data are insufficient to determine the clinical significance of the variant at this time. The frequency of this variant in the general population is uninformative in assessment of its pathogenicity. Polyphen and MutationTaster predict this amino acid change may be benign. Computational tools yielded predictions that this variant may interfere with normal RNA splicing.

Revvity Omics, Revvity
Classification: Uncertain significance. Last evaluated: 2020-06-10. Review status: criteria provided, single submitter. Criteria: ACMG Guidelines, 2015. Collection method: clinical testing. Allele origin: germline.